The following is an entry in ClinVar:

ClinVar aggregate classification (germline): Uncertain significance (1 of 4 stars; one submission).

gnomAD v4.1: 5 of 1,614,108 alleles (0.00031%); highest among the groups gnomAD compares: Non-Finnish European, 0.00042%; no homozygotes.

Submission:

Dasa
Classification: Uncertain significance. Last evaluated: 2025-07-29. Review status: criteria provided, single submitter. Criteria: DASA Assertion Criteria. Collection method: clinical testing. Allele origin: germline.
Comment: NM_000350.3(ABCA4):c.3176C>G (p.Ala1059Gly) is a missense variant that results in the substitution of alanine with glycine. The affected residue or protein region has prior evidence supporting clinical relevance. This variant is rare in population databases. Computational prediction algorithms are consistent with a deleterious effect. The currently available literature and clinical evidence are not sufficient to establish a definitive association between this variant and the reported condition. Therefore, this variant is classified as a variant of uncertain significance.

NM_000350.3(ABCA4):c.3176C>G (p.Ala1059Gly)

Gene: ABCA4 (ATP binding cassette subfamily A member 4; minus strand). Cytogenetic location: 1p22.1.
Variant type: single nucleotide variant.
Coding change: c.3176C>G on transcript NM_000350.3 (MANE Select); coding-DNA position 3176, C replaced by G.
Protein change: p.Ala1059Gly; replaces alanine 1059 with glycine.
Molecular consequence: missense variant.
Genome position (GRCh38, 1-based): chr1:94,043,350, G>C on the plus strand (C>G on the coding strand, the complement: ABCA4 is on the minus strand). VCF-style: chr1-94043350-G-C. GRCh37 (hg19) VCF-style: chr1-94508906-G-C.
Other names: c.2954C>G, p.Ala985Gly (NM_001425324.1); short protein forms A1059G, A985G.
Identifiers: ClinVar variation 4881742 (VCV004881742.2).